The following is an entry in ClinVar:

ClinVar aggregate classification (germline): Uncertain significance. Review status: criteria provided, multiple submitters, no conflicts (2 of 4 stars). 5 submissions from 5 submitters: Uncertain significance (3). 2 of the submissions do not count toward it. Last evaluated 2025-07-14.

Conditions:
Dyskeratosis congenita, autosomal recessive 5 (DKCB5). Identifiers: MedGen C3554656, MONDO:0014076, OMIM 615190.
Pulmonary fibrosis and/or bone marrow failure, Telomere-related, 3. Also called: PULMONARY FIBROSIS AND/OR BONE MARROW FAILURE SYNDROME, TELOMERE-RELATED, 3. Identifiers: Orphanet 2032, MedGen C4225346, MONDO:0014613, OMIM 616373.
Pulmonary fibrosis. Identifiers: MedGen C0034069, MONDO:0002771, HP:0002206.

Allele frequency attached by ClinVar (database versions not stated): gnomAD exomes 0.00001 and below 0.00001; TOPMed 0.00002; gnomAD 0.00003 and 0.00004; ExAC 0.00001.
gnomAD v4.1: 17 of 1,612,104 alleles (0.0011%); highest among the groups gnomAD compares: Non-Finnish European, 0.0014%; no homozygotes.

Submissions (5):

Labcorp Genetics (formerly Invitae), Labcorp
Classification: Uncertain significance for Dyskeratosis congenita, autosomal recessive 5; Pulmonary fibrosis and/or bone marrow failure, Telomere-related, 3. Last evaluated: 2025-07-14. Review status: criteria provided, single submitter. Criteria: Invitae Variant Classification Sherloc (09022015). Collection method: clinical testing. Allele origin: germline.
Comment: This sequence change replaces serine, which is neutral and polar, with cysteine, which is neutral and slightly polar, at codon 688 of the RTEL1 protein (p.Ser688Cys). This variant is present in population databases (rs773265745, gnomAD 0.0009%). This missense change has been observed in individual(s) with pulmonary fibrosis (PMID: 28192371, 29361909). This variant is also known as c.2063C>G, p.Ser688Cys. ClinVar contains an entry for this variant (Variation ID: 555385). An algorithm developed to predict the effect of missense changes on protein structure and function (PolyPhen-2) suggests that this variant is likely to be disruptive. In summary, the available evidence is currently insufficient to determine the role of this variant in disease. Therefore, it has been classified as a Variant of Uncertain Significance.

Fulgent Genetics
Classification: Uncertain significance for Dyskeratosis congenita, autosomal recessive 5; Pulmonary fibrosis and/or bone marrow failure, Telomere-related, 3. Last evaluated: 2024-04-23. Review status: criteria provided, single submitter. Criteria: ACMG Guidelines, 2015. Collection method: clinical testing. Allele origin: germline.

Blueprint Genetics
Classification: Uncertain significance. Last evaluated: 2023-10-17. Review status: criteria provided, single submitter. Criteria: ACMG Guidelines, 2015. Collection method: clinical testing. Allele origin: germline.

Garcia Pulmonary Genetics Research Laboratory, Columbia University Irving Medical Center
Classification: Likely risk allele for Pulmonary fibrosis. Last evaluated: 2022-06-09. Review status: no assertion criteria provided. Collection method: research. Allele origin: germline. Affected: yes. Not counted in ClinVar's aggregate classification.
Comment: Leukocyte telomere length (by qPCR) less than 10th percentile age-adjusted

Counsyl
Classification: Uncertain significance for Dyskeratosis congenita, autosomal recessive 5. Last evaluated: 2017-12-04. Review status: no assertion criteria provided. Collection method: clinical testing. Allele origin: unknown. Not counted in ClinVar's aggregate classification.

Literature cited by the submitters: PubMed 28192371 (cited by Labcorp Genetics (formerly Invitae), Labcorp); PubMed 29361909 (cited by Labcorp Genetics (formerly Invitae), Labcorp); PubMed 27540018 (cited by Counsyl).

NM_001283009.2(RTEL1):c.2063C>G (p.Ser688Cys)

Genes: RTEL1 (regulator of telomere elongation helicase 1; plus strand), RTEL1-TNFRSF6B (RTEL1-TNFRSF6B readthrough (NMD candidate); plus strand). Cytogenetic location: 20q13.33.
Variant type: single nucleotide variant.
Coding change: c.2063C>G on transcript NM_001283009.2 (MANE Select); coding-DNA position 2063, C replaced by G.
Protein change: p.Ser688Cys; replaces serine 688 with cysteine.
Molecular consequence: missense variant. On other transcripts: non-coding transcript variant (1).
Genome position (GRCh38, 1-based): chr20:63,689,787, C>G. VCF-style: chr20-63689787-C-G. GRCh37 (hg19) VCF-style: chr20-62321140-C-G.
Other names: p.Ser688Cys; c.1394C>G, p.Ser465Cys (NM_001283010.1); c.2063C>G, p.Ser688Cys (NM_016434.4); c.2135C>G, p.Ser712Cys (NM_032957.5); short protein forms S688C, S712C, S465C.
Identifiers: ClinVar variation 555385 (VCV000555385.38), dbSNP rs773265745, ClinGen allele CA9965156.